The following is an entry in ClinVar:

ClinVar aggregate classification (germline): Uncertain significance. Review status: criteria provided, multiple submitters, no conflicts (2 of 4 stars). 4 submissions from 4 submitters: Uncertain significance (4). Last evaluated 2025-03-19.

Conditions:
Koolen-de Vries syndrome (KDVS). Identifiers: Orphanet 96169, MedGen C1864871, MONDO:0012496, OMIM 610443.
Inborn genetic diseases. Identifiers: MedGen C0950123, MeSH D030342.

Allele frequency attached by ClinVar (database versions not stated): gnomAD exomes below 0.00001; ExAC 0.00001; gnomAD 0.00001; TOPMed 0.00003.
gnomAD v4.1: 2 of 1,611,612 alleles (0.00012%); highest among the groups gnomAD compares: African/African-American, 0.0027%; no homozygotes.

Submissions (4):

Labcorp Genetics (formerly Invitae), Labcorp
Classification: Uncertain significance for Koolen-de Vries syndrome. Last evaluated: 2025-03-19. Review status: criteria provided, single submitter. Criteria: Invitae Variant Classification Sherloc (09022015). Collection method: clinical testing. Allele origin: germline.
Comment: This sequence change replaces glycine, which is neutral and non-polar, with glutamic acid, which is acidic and polar, at codon 755 of the KANSL1 protein (p.Gly755Glu). This variant is present in population databases (rs761904173, gnomAD no frequency). This variant has not been reported in the literature in individuals affected with KANSL1-related conditions. ClinVar contains an entry for this variant (Variation ID: 862657). Invitae Evidence Modeling of protein sequence and biophysical properties (such as structural, functional, and spatial information, amino acid conservation, physicochemical variation, residue mobility, and thermodynamic stability) indicates that this missense variant is not expected to disrupt KANSL1 protein function with a negative predictive value of 80%. In summary, the available evidence is currently insufficient to determine the role of this variant in disease. Therefore, it has been classified as a Variant of Uncertain Significance.

Ambry Genetics
Classification: Uncertain significance for Inborn genetic diseases. Last evaluated: 2024-09-30. Review status: criteria provided, single submitter. Criteria: Ambry Variant Classification Scheme 2023. Collection method: clinical testing. Allele origin: germline.

Fulgent Genetics
Classification: Uncertain significance for Koolen-de Vries syndrome. Last evaluated: 2022-02-01. Review status: criteria provided, single submitter. Criteria: ACMG Guidelines, 2015. Collection method: clinical testing. Allele origin: unknown.

Blueprint Genetics
Classification: Uncertain significance. Last evaluated: 2020-09-24. Review status: criteria provided, single submitter. Criteria: ACMG Guidelines, 2015. Collection method: clinical testing. Allele origin: germline.

NM_015443.4(KANSL1):c.2264G>A (p.Gly755Glu)

Gene: KANSL1 (KAT8 regulatory NSL complex subunit 1). Cytogenetic location: 17q21.31.
Variant type: single nucleotide variant.
Coding change: c.2264G>A on transcript NM_015443.4 (MANE Select); coding-DNA position 2264, G replaced by A.
Protein change: p.Gly755Glu; replaces glycine 755 with glutamic acid.
Molecular consequence: missense variant.
Genome position (GRCh38, 1-based): chr17:46,039,155, C>T on the plus strand (G>A on the coding strand, the complement: KANSL1 is on the minus strand). VCF-style: chr17-46039155-C-T. GRCh37 (hg19) VCF-style: chr17-44116521-C-T.
Other names: c.2264G>A, p.Gly755Glu (NM_001193465.2, NM_001193466.2, NM_001379198.1); short protein forms G755E.
Identifiers: ClinVar variation 862657 (VCV000862657.12), dbSNP rs761904173, ClinGen allele CA8618616.
Genomic context (GRCh38, chr17:46,039,155, plus strand): 5'-GGTGGGTTGAGCAAGCGCTCTGCTTTTGGCGCTGTCACTCGCTCCACCATGGGCACGGCC[C>T]CCACATCGTCTAAGTGCTGCCTGTGGGTCCTGTCAGGCCGGGTTTGGTGATGGGACAGCT-3'
Protein context (NP_056258.1, residues 745-765): RTHRQHLDDV[Gly755Glu]AVPMVERVTA